The following is an entry in ClinVar:

NM_130839.5(UBE3A):c.83A>G (p.His28Arg)

Genes: SNHG14 (small nucleolar RNA host gene 14; plus strand), UBE3A (ubiquitin protein ligase E3A; minus strand). Cytogenetic location: 15q11.2.
Variant type: single nucleotide variant.
Coding change: c.83A>G on transcript NM_130839.5 (MANE Select); coding-DNA position 83, A replaced by G.
Protein change: p.His28Arg; replaces histidine 28 with arginine.
Molecular consequence: missense variant. On other transcripts: 5 prime UTR variant (1), non-coding transcript variant (1).
Genome position (GRCh38, 1-based): chr15:25,375,743, T>C on the plus strand (A>G on the coding strand, the complement: UBE3A is on the minus strand). VCF-style: chr15-25375743-T-C. GRCh37 (hg19) VCF-style: chr15-25620890-T-C.
Other names: c.83A>G, p.His28Arg (NM_001354505.1, NM_001354538.2, NM_001354545.2 and 1 more transcripts); c.23A>G, p.His8Arg (NM_001354506.2, NM_001354507.2, NM_001354508.2 and 18 more transcripts); c.-95A>G (NM_001354546.2); c.92A>G, p.His31Arg (NM_000462.5); short protein forms H28R, H31R, H8R.
Identifiers: ClinVar variation 4802383 (VCV004802383.1).

ClinVar aggregate classification (germline): Uncertain significance (1 of 4 stars; one submission).

Conditions:
Angelman syndrome (AS). Also called: HAPPY PUPPET SYNDROME. Identifiers: Orphanet 72, MedGen C0162635, MONDO:0007113, OMIM 105830. Disease mechanism: loss of function. Inheritance: imprinting disorder, AS is caused by disruption of maternally imprinted UBE3A located within the 15q11.2-q13 Angelman syndrome/Prader-Willi syndrome (AS/PWS) region..

gnomAD v4.1: 1 of 1,612,568 alleles (0.000062%); highest among the groups gnomAD compares: Non-Finnish European, 0.000085%; no homozygotes.

Submission:

Labcorp Genetics (formerly Invitae), Labcorp
Classification: Uncertain significance for Angelman syndrome. Last evaluated: 2025-07-23. Review status: criteria provided, single submitter. Criteria: Invitae Variant Classification Sherloc (09022015). Collection method: clinical testing. Allele origin: germline.
Comment: This sequence change replaces histidine, which is basic and polar, with arginine, which is basic and polar, at codon 8 of the UBE3A protein (p.His8Arg). This variant is not present in population databases (gnomAD no frequency). This variant has not been reported in the literature in individuals affected with UBE3A-related conditions. Invitae Evidence Modeling of protein sequence and biophysical properties (such as structural, functional, and spatial information, amino acid conservation, physicochemical variation, residue mobility, and thermodynamic stability) has been performed for this missense variant. However, the output from this modeling did not meet the statistical confidence thresholds required to predict the impact of this variant on UBE3A protein function. In summary, the available evidence is currently insufficient to determine the role of this variant in disease. Therefore, it has been classified as a Variant of Uncertain Significance.